The following is an entry in ClinVar:

ClinVar aggregate classification (germline): Conflicting classifications of pathogenicity. Review status: criteria provided, conflicting classifications (1 of 4 stars). 5 submissions from 5 submitters: Uncertain significance (3); Likely benign (1). 1 of the submissions does not count toward it. Last evaluated 2025-09-01.

Conditions:
KY-related disorder. Also called: KY-related condition.
Inborn genetic diseases. Identifiers: MedGen C0950123, MeSH D030342.

Allele frequency attached by ClinVar (database versions not stated): 1000 Genomes Project 0.00040; 1000 Genomes Project 30x 0.00047; ESP Exome Variant Server 0.00130; TOPMed 0.00141; gnomAD 0.00151 and 0.00158; gnomAD exomes 0.00159 and 0.00222; ExAC 0.00180.
gnomAD v4.1: 3,440 of 1,613,546 alleles (0.21%); highest among the groups gnomAD compares: Non-Finnish European, 0.26%; 5 homozygotes.

Submissions (5):

CeGaT Center for Human Genetics Tuebingen
Classification: Likely benign. Last evaluated: 2025-09-01. Review status: criteria provided, single submitter. Criteria: CeGaT Center For Human Genetics Tuebingen Variant Classification Criteria Version 2. Collection method: clinical testing. Allele origin: germline. Affected: yes. Observed: 4 variant alleles.
Comment: KY: BS2

Ambry Genetics
Classification: Uncertain significance for Inborn genetic diseases. Last evaluated: 2024-05-06. Review status: criteria provided, single submitter. Criteria: Ambry Variant Classification Scheme 2023. Collection method: clinical testing. Allele origin: germline.

Mayo Clinic Laboratories, Mayo Clinic
Classification: Uncertain significance. Last evaluated: 2019-10-20. Review status: criteria provided, single submitter. Criteria: ACMG Guidelines, 2015. Collection method: clinical testing. Allele origin: germline. Observed: 1 variant allele.

Breakthrough Genomics
Classification: Uncertain significance. Review status: criteria provided, single submitter. Criteria: ACMG Guidelines, 2015. Collection method: not provided. Allele origin: germline. Inheritance: Autosomal recessive inheritance. Affected: yes.

PreventionGenetics, part of Exact Sciences
Classification: Likely benign for KY-related condition. Last evaluated: 2023-04-12. Review status: no assertion criteria provided. Collection method: clinical testing. Allele origin: germline. Not counted in ClinVar's aggregate classification.
Comment: This variant is classified as likely benign based on ACMG/AMP sequence variant interpretation guidelines (Richards et al. 2015 PMID: 25741868, with internal and published modifications).

NM_178554.6(KY):c.557T>C (p.Val186Ala)

Genes: CEP63 (centrosomal protein 63; plus strand), KY (kyphoscoliosis peptidase; minus strand). Cytogenetic location: 3q22.2.
Variant type: single nucleotide variant.
Coding change: c.557T>C on transcript NM_178554.6 (MANE Select); coding-DNA position 557, T replaced by C.
Protein change: p.Val186Ala; replaces valine 186 with alanine.
Molecular consequence: missense variant.
Genome position (GRCh38, 1-based): chr3:134,620,784, A>G on the plus strand (T>C on the coding strand, the complement: KY is on the minus strand). VCF-style: chr3-134620784-A-G. GRCh37 (hg19) VCF-style: chr3-134339626-A-G.
Other names: c.509T>C, p.Val170Ala (NM_001350859.2); c.431T>C, p.Val144Ala (NM_001350860.2); c.494T>C, p.Val165Ala (NM_001366276.1); c.557T>C, p.Val186Ala (NM_001366277.2); c.557T>C (NM_178554.4); short protein forms V144A, V165A, V170A, V186A.
Identifiers: ClinVar variation 1013229 (VCV001013229.46), dbSNP rs188233679, ClinGen allele CA2629247.